The following is an entry in ClinVar:

ClinVar aggregate classification (germline): Conflicting classifications of pathogenicity. Review status: criteria provided, conflicting classifications (1 of 4 stars). 5 submissions from 5 submitters: Uncertain significance (1); Benign (1); Likely benign (3). Last evaluated 2026-07-17.

Conditions:
Hereditary cancer-predisposing syndrome. Also called: Tumor predisposition; Neoplastic Syndromes, Hereditary; Hereditary Cancer Syndrome; Hereditary neoplastic syndrome. Identifiers: Orphanet 140162, MedGen C0027672, MeSH D009386, MONDO:0015356.
Intellectual disability, autosomal dominant 16 (CSS4). Also called: COFFIN-SIRIS SYNDROME 4. Identifiers: Orphanet 1465, MedGen C3553249, MONDO:0013821, OMIM 614609.
Rhabdoid tumor predisposition syndrome 2 (RTPS2). Identifiers: Orphanet 231108, Orphanet 69077, MedGen C2750074, MONDO:0013224, OMIM 613325.

Allele frequency attached by ClinVar (database versions not stated): gnomAD exomes 0.00001; TOPMed 0.00001.
gnomAD v4.1: 8 of 1,561,700 alleles (0.00051%); highest among the groups gnomAD compares: Non-Finnish European, 0.00061%; no homozygotes.

Submissions (5):

Myriad Genetics, Inc.
Classification: Benign for Rhabdoid tumor predisposition syndrome 2. Last evaluated: 2026-07-17. Review status: criteria provided, single submitter. Criteria: Myriad Autosomal Dominant, Autosomal Recessive and X-Linked Classification Criteria (2023). Collection method: clinical testing. Allele origin: unknown.
Comment: This variant is considered benign. This variant is a silent/synonymous amino acid change and it is not expected to impact splicing.

Labcorp Genetics (formerly Invitae), Labcorp
Classification: Likely benign for Rhabdoid tumor predisposition syndrome 2. Last evaluated: 2025-12-21. Review status: criteria provided, single submitter. Criteria: Invitae Variant Classification Sherloc (09022015). Collection method: clinical testing. Allele origin: germline.

Laboratory of Genetics, Children's Clinical University Hospital Latvia
Classification: Likely benign. Last evaluated: 2025-02-16. Review status: criteria provided, single submitter. Criteria: ACMG Guidelines, 2015. Collection method: clinical testing. Allele origin: germline. Affected: yes.

Genome-Nilou Lab
Classification: Uncertain significance for Intellectual disability, autosomal dominant 16. Last evaluated: 2021-07-15. Review status: criteria provided, single submitter. Criteria: ACMG Guidelines, 2015. Collection method: clinical testing. Allele origin: germline. Affected: no.

Ambry Genetics
Classification: Likely benign for Hereditary cancer-predisposing syndrome. Last evaluated: 2018-03-21. Review status: criteria provided, single submitter. Criteria: Ambry Variant Classification Scheme 2023. Collection method: clinical testing. Allele origin: germline.

NM_003072.5(SMARCA4):c.3954C>T (p.Arg1318=)

Gene: SMARCA4 (SWI/SNF related BAF chromatin remodeling complex subunit ATPase 4; plus strand). Cytogenetic location: 19p13.2.
Variant type: single nucleotide variant.
Coding change: c.3954C>T on transcript NM_003072.5 (MANE Select); coding-DNA position 3954, C replaced by T.
Protein change: p.Arg1318=; no amino-acid change (arginine 1318 retained).
Molecular consequence: synonymous variant. On other transcripts: non-coding transcript variant (1).
Genome position (GRCh38, 1-based): chr19:11,034,916, C>T. VCF-style: chr19-11034916-C-T. GRCh37 (hg19) VCF-style: chr19-11145592-C-T.
Other names: c.3954C>T, p.Arg1318= (NM_001128844.3, NM_001128849.3, NM_001387283.1); c.3855C>T, p.Arg1285= (NM_001128845.2, NM_001128846.2, NM_001128847.4 and 2 more transcripts).
Identifiers: ClinVar variation 537797 (VCV000537797.20), dbSNP rs1555785323, ClinGen allele CA505493235.